The following is an entry in ClinVar:

NM_006231.4(POLE):c.5191C>T (p.Leu1731Phe)

Gene: POLE (DNA polymerase epsilon, catalytic subunit; minus strand). Cytogenetic location: 12q24.33.
Variant type: single nucleotide variant.
Coding change: c.5191C>T on transcript NM_006231.4 (MANE Select); coding-DNA position 5191, C replaced by T.
Protein change: p.Leu1731Phe; replaces leucine 1731 with phenylalanine.
Molecular consequence: missense variant.
Genome position (GRCh38, 1-based): chr12:132,641,834, G>A on the plus strand (C>T on the coding strand, the complement: POLE is on the minus strand). VCF-style: chr12-132641834-G-A. GRCh37 (hg19) VCF-style: chr12-133218420-G-A.
Other names: c.5191C>T (NM_006231.2); short protein forms L1731F.
Identifiers: ClinVar variation 937109 (VCV000937109.11), dbSNP rs1488754521, ClinGen allele CA387376474.

ClinVar aggregate classification (germline): Uncertain significance. Review status: criteria provided, multiple submitters, no conflicts (2 of 4 stars). 2 submissions from 2 submitters: Uncertain significance (2). Last evaluated 2023-06-21.

Conditions:
Hereditary cancer-predisposing syndrome. Also called: Tumor predisposition; Hereditary neoplastic syndrome; Hereditary Cancer Syndrome; Neoplastic Syndromes, Hereditary. Identifiers: Orphanet 140162, MedGen C0027672, MeSH D009386, MONDO:0015356.

Submissions (2):

Ambry Genetics
Classification: Uncertain significance for Hereditary cancer-predisposing syndrome. Last evaluated: 2023-06-21. Review status: criteria provided, single submitter. Criteria: Ambry Variant Classification Scheme 2023. Collection method: clinical testing. Allele origin: germline.
Comment: The p.L1731F variant (also known as c.5191C>T), located in coding exon 39 of the POLE gene, results from a C to T substitution at nucleotide position 5191. The leucine at codon 1731 is replaced by phenylalanine, an amino acid with highly similar properties. This amino acid position is conserved. In addition, this alteration is predicted to be tolerated by in silico analysis. Since supporting evidence is limited at this time, the clinical significance of this alteration remains unclear.

Labcorp Genetics (formerly Invitae), Labcorp
Classification: Uncertain significance. Last evaluated: 2023-03-31. Review status: criteria provided, single submitter. Criteria: Invitae Variant Classification Sherloc (09022015). Collection method: clinical testing. Allele origin: germline.
Comment: In summary, the available evidence is currently insufficient to determine the role of this variant in disease. Therefore, it has been classified as a Variant of Uncertain Significance. Advanced modeling of protein sequence and biophysical properties (such as structural, functional, and spatial information, amino acid conservation, physicochemical variation, residue mobility, and thermodynamic stability) performed at Invitae indicates that this missense variant is not expected to disrupt POLE protein function. ClinVar contains an entry for this variant (Variation ID: 937109). This variant has not been reported in the literature in individuals affected with POLE-related conditions. This variant is not present in population databases (gnomAD no frequency). This sequence change replaces leucine, which is neutral and non-polar, with phenylalanine, which is neutral and non-polar, at codon 1731 of the POLE protein (p.Leu1731Phe).